The following is an entry in ClinVar:

NR_031714.1(MIR1324):n.-251239_47012del

Genes: FRG2C (FSHD region gene 2 family member C; plus strand), LINC00960 (long intergenic non-protein coding RNA 960; plus strand), LINC02018 (long intergenic non-protein coding RNA 2018; plus strand), MIR1324 (microRNA 1324; plus strand), LOC112935961 (Sharpr-MPRA regulatory region 2645; plus strand) and 5 more. Cytogenetic location: 3p12.3.
Variant type: Deletion.
Identifiers: ClinVar variation 156869 (VCV000156869.2).

ClinVar aggregate classification (germline): not provided. Review status: no classification provided (0 of 4 stars). 3 submissions from 1 submitter: not provided (3).

Conditions:
Preeclampsia. Identifiers: Orphanet 275555, MedGen C0032914, MONDO:0005081, HP:0100602.
Normal pregnancy. Identifiers: MedGen C0232989.
Gestational diabetes mellitus uncontrolled. Identifiers: MedGen C3532257.

Submissions (3):

Institute of Molecular and Cell Biology, University of Tartu
No classification provided. Condition: Normal pregnancy. Review status: no classification provided. Collection method: case-control. Allele origin: unknown. Affected: yes. Study: Kasak2014.
Comment: The study aimed to determine the contribution of copy number variants in the genetic etiology of normal and complicated pregnancies. The samples represented (i) maternal blood DNA drawn from healthy pregnant women during 1st or 2nd trimester and (ii) maternal and paternal blood DNA drawn at term pregnancy cases representing normal and complicated gestations (severe preeclampsia, PE; gestational diabetes, GD; small-for-gestational age newborn, SGA; large-for-gestational age newborn, LGA). We performed CNV calling based on genome-wide genotyping dataset (Illumina HumanOmniExpress-24-v1 BeadChip) by applying three algorithms, QuantiSNP, GADA (Genome Alteration Detection Algorithm) and CNstream in parallel. The acquired CNV calls were merged with HD-CNV (Hotspot Detector for Copy Number Variants) program and only the CNVs predicted by at least two programs, were considered in subsequent analysis.

Institute of Molecular and Cell Biology, University of Tartu
No classification provided. Condition: Preeclampsia. Review status: no classification provided. Collection method: case-control. Allele origin: unknown. Affected: yes. Study: Kasak2014.
Comment: the same text as in the submission from Institute of Molecular and Cell Biology, University of Tartu above.

Institute of Molecular and Cell Biology, University of Tartu
No classification provided. Condition: Gestational diabetes mellitus uncontrolled. Review status: no classification provided. Collection method: case-control. Allele origin: unknown. Affected: yes. Study: Kasak2014.
Comment: the same text as in the submission from Institute of Molecular and Cell Biology, University of Tartu above.

Literature cited by the submitters: PubMed 25666259.